The following is an entry in ClinVar:

ClinVar aggregate classification (germline): Uncertain significance. Review status: criteria provided, multiple submitters, no conflicts (2 of 4 stars). 2 submissions from 2 submitters: Uncertain significance (2). Last evaluated 2023-12-04.

Conditions:
Hereditary cancer-predisposing syndrome. Also called: Hereditary neoplastic syndrome; Neoplastic Syndromes, Hereditary; Tumor predisposition; Hereditary Cancer Syndrome. Identifiers: Orphanet 140162, MedGen C0027672, MeSH D009386, MONDO:0015356.
Fanconi anemia complementation group J. Also called: BRIP1-Related Fanconi Anemia. Identifiers: Orphanet 84, MedGen C1836860, MONDO:0012187, OMIM 609054.
Familial cancer of breast. Also called: BREAST CANCER, FAMILIAL; hereditary breast carcinoma; Hereditary breast cancer. Identifiers: Orphanet 227535, MedGen C0346153, MONDO:0016419, OMIM 114480. Disease mechanism: loss of function.

Submissions (2):

Color Diagnostics, LLC DBA Color Health
Classification: Uncertain significance for Hereditary cancer-predisposing syndrome. Last evaluated: 2023-12-04. Review status: criteria provided, single submitter. Criteria: ACMG Guidelines, 2015. Collection method: clinical testing. Allele origin: germline.
Comment: This missense variant replaces methionine with lysine at codon 620 of the BRIP1 protein. Computational prediction suggests that this variant may not impact protein structure and function (internally defined REVEL score threshold <= 0.5, PMID: 27666373). To our knowledge, functional studies have not been reported for this variant. This variant has not been reported in individuals affected with BRIP1-related disorders in the literature. This variant has not been identified in the general population by the Genome Aggregation Database (gnomAD). The available evidence is insufficient to determine the role of this variant in disease conclusively. Therefore, this variant is classified as a Variant of Uncertain Significance.

Labcorp Genetics (formerly Invitae), Labcorp
Classification: Uncertain significance for Familial cancer of breast; Fanconi anemia complementation group J. Last evaluated: 2017-07-16. Review status: criteria provided, single submitter. Criteria: Invitae Variant Classification Sherloc (09022015). Collection method: clinical testing. Allele origin: germline.
Comment: In summary, the available evidence is currently insufficient to determine the role of this variant in disease. Therefore, it has been classified as a Variant of Uncertain Significance. Algorithms developed to predict the effect of sequence changes on RNA splicing suggest that this variant may create or strengthen a splice site, but this prediction has not been confirmed by published transcriptional studies. Algorithms developed to predict the effect of missense changes on protein structure and function (SIFT, PolyPhen-2, Align-GVGD) all suggest that this variant is likely to be disruptive, but these predictions have not been confirmed by published functional studies and their clinical significance is uncertain. This variant has not been reported in the literature in individuals with BRIP1-related disease. This variant is not present in population databases (ExAC no frequency). This sequence change replaces methionine with lysine at codon 620 of the BRIP1 protein (p.Met620Lys). The methionine residue is highly conserved and there is a moderate physicochemical difference between methionine and lysine.

NM_032043.3(BRIP1):c.1859T>A (p.Met620Lys)

Gene: BRIP1 (BRCA1 interacting DNA helicase 1; minus strand). Cytogenetic location: 17q23.2.
Variant type: single nucleotide variant.
Coding change: c.1859T>A on transcript NM_032043.3 (MANE Select); coding-DNA position 1859, T replaced by A.
Protein change: p.Met620Lys; replaces methionine 620 with lysine.
Molecular consequence: missense variant.
Genome position (GRCh38, 1-based): chr17:61,780,337, A>T on the plus strand (T>A on the coding strand, the complement: BRIP1 is on the minus strand). VCF-style: chr17-61780337-A-T. GRCh37 (hg19) VCF-style: chr17-59857698-A-T.
Other names: short protein forms M620K.
Identifiers: ClinVar variation 461086 (VCV000461086.15), dbSNP rs1555602185, ClinGen allele CA400480101.